The following is an entry in ClinVar:

NM_024700.4(SNIP1):c.937T>C (p.Tyr313His)

Gene: SNIP1 (Smad nuclear interacting protein 1; minus strand). Cytogenetic location: 1p34.3.
Variant type: single nucleotide variant.
Coding change: c.937T>C on transcript NM_024700.4 (MANE Select); coding-DNA position 937, T replaced by C.
Protein change: p.Tyr313His; replaces tyrosine 313 with histidine.
Molecular consequence: missense variant.
Genome position (GRCh38, 1-based): chr1:37,538,002, A>G on the plus strand (T>C on the coding strand, the complement: SNIP1 is on the minus strand). VCF-style: chr1-37538002-A-G. GRCh37 (hg19) VCF-style: chr1-38003603-A-G.
Other names: short protein forms Y313H.
Identifiers: ClinVar variation 1713626 (VCV001713626.5), dbSNP rs2522339744, ClinGen allele CA339446090.

ClinVar aggregate classification (germline): Uncertain significance (1 of 4 stars; one submission).

Submission:

Labcorp Genetics (formerly Invitae), Labcorp
Classification: Uncertain significance. Last evaluated: 2022-07-23. Review status: criteria provided, single submitter. Criteria: Invitae Variant Classification Sherloc (09022015). Collection method: clinical testing. Allele origin: germline.
Comment: In summary, the available evidence is currently insufficient to determine the role of this variant in disease. Therefore, it has been classified as a Variant of Uncertain Significance. Algorithms developed to predict the effect of missense changes on protein structure and function output the following: SIFT: "Tolerated"; PolyPhen-2: "Benign"; Align-GVGD: "Class C0". The histidine amino acid residue is found in multiple mammalian species, which suggests that this missense change does not adversely affect protein function. This variant has not been reported in the literature in individuals affected with SNIP1-related conditions. This variant is not present in population databases (gnomAD no frequency). This sequence change replaces tyrosine, which is neutral and polar, with histidine, which is basic and polar, at codon 313 of the SNIP1 protein (p.Tyr313His).